The following is an entry in ClinVar:

NM_005751.5(AKAP9):c.3613-178A>G

Gene: AKAP9 (A-kinase anchoring protein 9; plus strand). Cytogenetic location: 7q21.2.
Variant type: single nucleotide variant.
Coding change: c.3613-178A>G on transcript NM_005751.5 (MANE Select); 178 bases into the intron before coding-DNA position 3613, A replaced by G.
Molecular consequence: intron variant.
Genome position (GRCh38, 1-based): chr7:92,015,951, A>G. VCF-style: chr7-92015951-A-G. GRCh37 (hg19) VCF-style: chr7-91645265-A-G.
Other names: c.3613-178A>G (NM_147185.3).
Identifiers: ClinVar variation 671865 (VCV000671865.2), dbSNP rs10263309, ClinGen allele CA12593010.

ClinVar aggregate classification (germline): Benign. Review status: criteria provided, multiple submitters, no conflicts (2 of 4 stars). 2 submissions from 2 submitters: Benign (2). Last evaluated 2018-06-14.

Allele frequency attached by ClinVar (database versions not stated): 1000 Genomes Project 0.35982; 1000 Genomes Project 30x 0.36243; TOPMed 0.40170.
gnomAD v4.1: 60,863 of 152,006 alleles (40%); highest among the groups gnomAD compares: African/African-American, 46%; 12,480 homozygotes.

Submissions (2):

GeneDx
Classification: Benign. Last evaluated: 2018-06-14. Review status: criteria provided, single submitter. Criteria: GeneDx Variant Classification (06012015). Collection method: clinical testing. Allele origin: germline. Affected: yes.
Comment: This variant is considered likely benign or benign based on one or more of the following criteria: it is a conservative change, it occurs at a poorly conserved position in the protein, it is predicted to be benign by multiple in silico algorithms, and/or has population frequency not consistent with disease.

Breakthrough Genomics
Classification: Benign. Review status: criteria provided, single submitter. Criteria: ACMG Guidelines, 2015. Collection method: not provided. Allele origin: germline. Inheritance: Autosomal dominant inheritance. Affected: yes.